The following is an entry in ClinVar:

NM_003238.6(TGFB2):c.*15T>C

Gene: TGFB2 (transforming growth factor beta 2; plus strand). Cytogenetic location: 1q41.
Variant type: single nucleotide variant.
Coding change: c.*15T>C on transcript NM_003238.6 (MANE Select); 15 bases downstream of the stop codon, T replaced by C.
Molecular consequence: 3 prime UTR variant. On other transcripts: non-coding transcript variant (2).
Genome position (GRCh38, 1-based): chr1:218,441,377, T>C. VCF-style: chr1-218441377-T-C. GRCh37 (hg19) VCF-style: chr1-218614719-T-C.
Other names: c.*15T>C (NM_001135599.4).
Identifiers: ClinVar variation 381041 (VCV000381041.1), dbSNP rs1057520937, ClinGen allele CA16603496.

ClinVar aggregate classification (germline): Likely benign (1 of 4 stars; one submission).

Allele frequency attached by ClinVar (database versions not stated): gnomAD 0.00001; TOPMed 0.00001; gnomAD exomes 0.00002.
gnomAD v4.1: 24 of 1,595,240 alleles (0.0015%); highest among the groups gnomAD compares: Non-Finnish European, 0.002%; no homozygotes.

Submission:

GeneDx
Classification: Likely benign. Last evaluated: 2015-10-13. Review status: criteria provided, single submitter. Criteria: GeneDx Variant Classification (06012015). Collection method: clinical testing. Allele origin: germline. Affected: yes.
Comment: This variant is considered likely benign or benign based on one or more of the following criteria: it is a conservative change, it occurs at a poorly conserved position in the protein, it is predicted to be benign by multiple in silico algorithms, and/or has population frequency not consistent with disease.